The following is an entry in ClinVar:

ClinVar aggregate classification (germline): Uncertain significance (1 of 4 stars; one submission).

Conditions:
Early Myoclonic Encephalopathy. Identifiers: MedGen C0270855.

Allele frequency attached by ClinVar (database versions not stated): gnomAD 0.00001.
gnomAD v4.1: 1 of 1,600,782 alleles (0.000062%); highest among the groups gnomAD compares: African/African-American, 0.0013%; no homozygotes.

Submission:

Labcorp Genetics (formerly Invitae), Labcorp
Classification: Uncertain significance for Early Myoclonic Encephalopathy. Last evaluated: 2023-06-10. Review status: criteria provided, single submitter. Criteria: Invitae Variant Classification Sherloc (09022015). Collection method: clinical testing. Allele origin: germline.
Comment: In summary, the available evidence is currently insufficient to determine the role of this variant in disease. Therefore, it has been classified as a Variant of Uncertain Significance. Experimental studies and prediction algorithms are not available or were not evaluated, and the functional significance of this variant is currently unknown. This variant has not been reported in the literature in individuals affected with KCND2-related conditions. This variant is not present in population databases (gnomAD no frequency). This sequence change creates a premature translational stop signal (p.Trp362*) in the KCND2 gene. It is expected to result in an absent or disrupted protein product. However, the current clinical and genetic evidence is not sufficient to establish whether loss-of-function variants in KCND2 cause disease.

NM_012281.3(KCND2):c.1086G>A (p.Trp362Ter)

Gene: KCND2 (potassium voltage-gated channel subfamily D member 2; plus strand). Cytogenetic location: 7q31.31.
Variant type: single nucleotide variant.
Coding change: c.1086G>A on transcript NM_012281.3 (MANE Select); coding-DNA position 1086, G replaced by A.
Protein change: p.Trp362Ter; replaces tryptophan 362 with a stop codon.
Molecular consequence: nonsense.
Genome position (GRCh38, 1-based): chr7:120,275,718, G>A. VCF-style: chr7-120275718-G-A. GRCh37 (hg19) VCF-style: chr7-119915772-G-A.
Other names: short protein forms W362*.
Identifiers: ClinVar variation 2800096 (VCV002800096.3), dbSNP rs1283609575, ClinGen allele CA369133054.
Genomic context (GRCh38, chr7:120,275,718, plus strand): 5'-GTTCTACGCAGAGAAGGGGTCTTCGGCTAGCAAGTTCACCAGCATCCCTGCAGCCTTCTG[G>A]TATACCATCGTCACCATGACAACACTAGGGTAGGTGCCATAATGGGAAATGGGATGGAGG-3'